The following is an entry in ClinVar:

NM_004260.4(RECQL4):c.1949G>A (p.Ser650Asn)

Gene: RECQL4 (RecQ like helicase 4; minus strand). Cytogenetic location: 8q24.3.
Variant type: single nucleotide variant.
Coding change: c.1949G>A on transcript NM_004260.4 (MANE Select); coding-DNA position 1949, G replaced by A.
Protein change: p.Ser650Asn; replaces serine 650 with asparagine.
Molecular consequence: missense variant.
Genome position (GRCh38, 1-based): chr8:144,514,037, C>T on the plus strand (G>A on the coding strand, the complement: RECQL4 is on the minus strand). VCF-style: chr8-144514037-C-T. GRCh37 (hg19) VCF-style: chr8-145739421-C-T.
Other names: short protein forms S650N.
Identifiers: ClinVar variation 836914 (VCV000836914.7), dbSNP rs747496472, ClinGen allele CA4948564.

ClinVar aggregate classification (germline): Uncertain significance. Review status: criteria provided, multiple submitters, no conflicts (2 of 4 stars). 2 submissions from 2 submitters: Uncertain significance (2). Last evaluated 2025-02-21.

Conditions:
Baller-Gerold syndrome (BGS). Also called: CRANIOSYNOSTOSIS WITH RADIAL DEFECTS. Identifiers: Orphanet 1225, MedGen C0265308, MONDO:0009039, OMIM 218600.
Inborn genetic diseases. Identifiers: MedGen C0950123, MeSH D030342.

Allele frequency attached by ClinVar (database versions not stated): gnomAD exomes below 0.00001 and 0.00001; TOPMed 0.00001; ExAC 0.00004.
gnomAD v4.1: 2 of 1,577,814 alleles (0.00013%); highest among the groups gnomAD compares: Non-Finnish European, 0.00017%; no homozygotes.

Submissions (2):

Ambry Genetics
Classification: Uncertain significance for Inborn genetic diseases. Last evaluated: 2025-02-21. Review status: criteria provided, single submitter. Criteria: Ambry Variant Classification Scheme 2023. Collection method: clinical testing. Allele origin: germline.
Comment: The p.S650N variant (also known as c.1949G>A), located in coding exon 12 of the RECQL4 gene, results from a G to A substitution at nucleotide position 1949. The serine at codon 650 is replaced by asparagine, an amino acid with highly similar properties. This amino acid position is conserved. In addition, this alteration is predicted to be tolerated by in silico analysis. Based on the available evidence, the clinical significance of this variant remains unclear.

Labcorp Genetics (formerly Invitae), Labcorp
Classification: Uncertain significance for Baller-Gerold syndrome. Last evaluated: 2023-10-29. Review status: criteria provided, single submitter. Criteria: Invitae Variant Classification Sherloc (09022015). Collection method: clinical testing. Allele origin: germline.
Comment: This sequence change replaces serine, which is neutral and polar, with asparagine, which is neutral and polar, at codon 650 of the RECQL4 protein (p.Ser650Asn). This variant is present in population databases (rs747496472, gnomAD 0.001%). This variant has not been reported in the literature in individuals affected with RECQL4-related conditions. ClinVar contains an entry for this variant (Variation ID: 836914). Advanced modeling of protein sequence and biophysical properties (such as structural, functional, and spatial information, amino acid conservation, physicochemical variation, residue mobility, and thermodynamic stability) performed at Invitae indicates that this missense variant is not expected to disrupt RECQL4 protein function with a negative predictive value of 80%. In summary, the available evidence is currently insufficient to determine the role of this variant in disease. Therefore, it has been classified as a Variant of Uncertain Significance.